The following is an entry in ClinVar:

ClinVar aggregate classification (germline): Uncertain significance. Review status: criteria provided, single submitter (1 of 4 stars). 2 submissions from 2 submitters: Uncertain significance (1). 1 of the submissions does not count toward it.

Conditions:
Maturity-onset diabetes of the young (MODY). Also called: Maturity onset diabetes mellitus in young. Identifiers: Orphanet 552, MedGen C0342276, MONDO:0018911, HP:0004904.
Hyperinsulinemic hypoglycemia, familial, 2. Also called: HYPERINSULINEMIC HYPOGLYCEMIA, PERSISTENT; HYPERINSULINISM, NEONATAL. Identifiers: Orphanet 276580, Orphanet 276603, MedGen C2931833, MONDO:0011153, OMIM 601820. Disease mechanism: loss of function.

Submissions (2):

Clinical Genomics, Uppaluri K&H Personalized Medicine Clinic
Classification: Uncertain significance for Maturity-onset diabetes of the young. Review status: criteria provided, single submitter. Criteria: K&H Uppaluri Personalized Medicine Clinic Variant Classification & Assertion Criteria. Collection method: research. Allele origin: somatic. Inheritance: Autosomal dominant inheritance.
Comment: Mutations in KCNJ11 gene can cause decreased production and secretion of insulin. This can lead to MODY which may be responsive to oral sulfonylureas. It is also associated with Neonatal Diabetes. However, no sufficient evidence is found to ascertain the role of rs1953574433 variant in MODY yet.

OMIM
Classification: Pathogenic for HYPERINSULINEMIC HYPOGLYCEMIA, FAMILIAL, 2. Last evaluated: 2020-12-17. Review status: no assertion criteria provided. Collection method: literature only. Allele origin: germline. Not counted in ClinVar's aggregate classification.

Literature cited by the submitters: PubMed 26448950 (cited by Clinical Genomics, Uppaluri K&H Personalized Medicine Clinic); PubMed 15580558 (cited by Clinical Genomics, Uppaluri K&H Personalized Medicine Clinic); PubMed 15718250 (cited by Clinical Genomics, Uppaluri K&H Personalized Medicine Clinic); PubMed 31464105 (cited by OMIM).

NM_000525.4(KCNJ11):c.889ACC[1] (p.Thr298del)

Gene: KCNJ11 (potassium inwardly rectifying channel subfamily J member 11; minus strand). Cytogenetic location: 11p15.1.
Variant type: Microsatellite.
Coding change: c.889ACC[1] on transcript NM_000525.4 (MANE Select); one copy of the 3-base unit ACC starting at c.889; the reference has two copies in a row; one copy, 3 bases deleted.
Protein change: p.Thr298del; deletes threonine 298.
Molecular consequence: inframe deletion.
Genome position (GRCh38, 1-based): chr11:17,387,198-17,387,200, GGT deleted on the plus strand (ACC on the coding strand, the reverse complement: KCNJ11 is on the minus strand); deleting any 3 consecutive bases within chr11:17,387,198-17,387,204 gives the same sequence; the position shown is the placement nearest the transcript's 3' end. VCF-style (leftmost placement, unchanged base first): chr11-17387197-GGGT-G. GRCh37 (hg19) VCF-style: chr11-17408744-GGGT-G.
Other names: c.628ACC[1], p.Thr211del (NM_001166290.2, NM_001377296.1, NM_001377297.1); short protein forms T211del, T298del.
Identifiers: ClinVar variation 988945 (VCV000988945.2), dbSNP rs1953574433, ClinGen allele CA1955119161.